The following is an entry in ClinVar:

NM_000256.3(MYBPC3):c.3638C>T (p.Ser1213Phe)

Gene: MYBPC3 (myosin binding protein C3; minus strand). Cytogenetic location: 11p11.2.
Variant type: single nucleotide variant.
Coding change: c.3638C>T on transcript NM_000256.3 (MANE Select); coding-DNA position 3638, C replaced by T.
Protein change: p.Ser1213Phe; replaces serine 1213 with phenylalanine.
Molecular consequence: missense variant.
Genome position (GRCh38, 1-based): chr11:47,332,248, G>A on the plus strand (C>T on the coding strand, the complement: MYBPC3 is on the minus strand). VCF-style: chr11-47332248-G-A. GRCh37 (hg19) VCF-style: chr11-47353799-G-A.
Other names: short protein forms S1213F.
Identifiers: ClinVar variation 3072336 (VCV003072336.1), dbSNP rs931472720, ClinGen allele CA221681882.

ClinVar aggregate classification (germline): Uncertain significance (1 of 4 stars; one submission).

Conditions:
Hypertrophic cardiomyopathy. Also called: HYPERTROPHIC MYOCARDIOPATHY. Identifiers: Orphanet 217569, MedGen C0007194, MeSH D002312, MONDO:0005045, HP:0001639.

Submission:

All of Us Research Program, National Institutes of Health
Classification: Uncertain significance for Hypertrophic cardiomyopathy. Last evaluated: 2023-08-15. Review status: criteria provided, single submitter. Criteria: ACMG Guidelines, 2015. Collection method: clinical testing. Allele origin: germline. Inheritance: Autosomal dominant inheritance. Observed: 1 variant allele, 1 heterozygote.
Comment: This study involves interpretation of variants in research participants for the purpose of population health screening. Participant phenotype was not available at the time of variant classification. Additional details can be found in publication PMID: 35346344, PMCID: PMC8962531